The following is an entry in ClinVar:

NM_058216.3(RAD51C):c.398A>C (p.Gln133Pro)

Gene: RAD51C (RAD51 paralog C; plus strand). Cytogenetic location: 17q22.
Variant type: single nucleotide variant.
Coding change: c.398A>C on transcript NM_058216.3 (MANE Select); coding-DNA position 398, A replaced by C.
Protein change: p.Gln133Pro; replaces glutamine 133 with proline.
Molecular consequence: missense variant. On other transcripts: non-coding transcript variant (2).
Genome position (GRCh38, 1-based): chr17:58,695,183, A>C. VCF-style: chr17-58695183-A-C. GRCh37 (hg19) VCF-style: chr17-56772544-A-C.
Other names: c.398A>C, p.Gln133Pro (NM_002876.4, NM_058217.1); short protein forms Q133P.
Identifiers: ClinVar variation 2833373 (VCV002833373.3), dbSNP rs2143727988, ClinGen allele CA400342058.
Genomic context (GRCh38, chr17:58,695,183, plus strand): 5'-GTGGAGTGCCCTTAATGAAAACAACAGAAATTTGTGGTGCACCAGGTGTTGGAAAAACAC[A>C]ATTATGGTAAAATAAAGTGTTCTCCTTTTAAGGGTGGGTTTAATAACATATTATGAAAGT-3'
Protein context (NP_478123.1, residues 123-143): ICGAPGVGKT[Gln133Pro]LCMQLAVDVQ

ClinVar aggregate classification (germline): Uncertain significance (1 of 4 stars; one submission).

Conditions:
Fanconi anemia complementation group O. Also called: RAD51C-Related Fanconi Anemia. Identifiers: Orphanet 84, MedGen C3150653, MONDO:0013248, OMIM 613390.

Submission:

Labcorp Genetics (formerly Invitae), Labcorp
Classification: Uncertain significance for Fanconi anemia complementation group O. Last evaluated: 2023-02-01. Review status: criteria provided, single submitter. Criteria: Invitae Variant Classification Sherloc (09022015). Collection method: clinical testing. Allele origin: germline.
Comment: In summary, the available evidence is currently insufficient to determine the role of this variant in disease. Therefore, it has been classified as a Variant of Uncertain Significance. Advanced modeling of protein sequence and biophysical properties (such as structural, functional, and spatial information, amino acid conservation, physicochemical variation, residue mobility, and thermodynamic stability) performed at Invitae indicates that this missense variant is expected to disrupt RAD51C protein function. This variant has not been reported in the literature in individuals affected with RAD51C-related conditions. This variant is not present in population databases (gnomAD no frequency). This sequence change replaces glutamine, which is neutral and polar, with proline, which is neutral and non-polar, at codon 133 of the RAD51C protein (p.Gln133Pro).